The following is an entry in ClinVar:

ClinVar aggregate classification (germline): Uncertain significance. Review status: criteria provided, multiple submitters, no conflicts (2 of 4 stars). 3 submissions from 3 submitters: Uncertain significance (3). Last evaluated 2026-09-02.

Conditions:
LRP5-related disorder. Also called: LRP5-related condition.

Allele frequency attached by ClinVar (database versions not stated): gnomAD 0.00005 and 0.00006; TOPMed 0.00006; ESP Exome Variant Server 0.00008.
gnomAD v4.1: 41 of 1,607,416 alleles (0.0026%); highest among the groups gnomAD compares: African/African-American, 0.004%; no homozygotes.

Submissions (3):

PreventionGenetics, part of Exact Sciences
Classification: Uncertain significance for LRP5-related condition. Last evaluated: 2026-09-02. Review status: criteria provided, single submitter. Criteria: ACMG Guidelines, 2015. Collection method: clinical testing. Allele origin: germline.
Comment: The LRP5 c.2774G>A variant is predicted to result in the amino acid substitution p.Arg925His. This variant has been reported in the heterozygous state in an individual with osteoporosis (Supplemental Data, Mancini et al. 2024. PubMed ID: 39316135). This variant is reported in 0.0050% of alleles in individuals of European (Finnish) descent in gnomAD. At this time, the clinical significance of this variant is uncertain due to the absence of conclusive functional and genetic evidence.

Labcorp Genetics (formerly Invitae), Labcorp
Classification: Uncertain significance. Last evaluated: 2025-12-03. Review status: criteria provided, single submitter. Criteria: Invitae Variant Classification Sherloc (09022015). Collection method: clinical testing. Allele origin: germline.
Comment: This sequence change replaces arginine, which is basic and polar, with histidine, which is basic and polar, at codon 925 of the LRP5 protein (p.Arg925His). This variant is present in population databases (rs373466030, gnomAD 0.01%). This missense change has been observed in individual(s) with osteoporosis (PMID: 39316135). ClinVar contains an entry for this variant (Variation ID: 1002014). Invitae Evidence Modeling of protein sequence and biophysical properties (such as structural, functional, and spatial information, amino acid conservation, physicochemical variation, residue mobility, and thermodynamic stability) indicates that this missense variant is not expected to disrupt LRP5 protein function with a negative predictive value of 95%. In summary, the available evidence is currently insufficient to determine the role of this variant in disease. Therefore, it has been classified as a Variant of Uncertain Significance.

Mayo Clinic Laboratories, Mayo Clinic
Classification: Uncertain significance. Last evaluated: 2025-10-10. Review status: criteria provided, single submitter. Criteria: ACMG Guidelines, 2015. Collection method: clinical testing. Allele origin: germline. Observed: 1 variant allele.

Literature cited by the submitters: PubMed 39316135 (cited by Labcorp Genetics (formerly Invitae), Labcorp).

NM_002335.4(LRP5):c.2774G>A (p.Arg925His)

Gene: LRP5 (LDL receptor related protein 5; plus strand). Cytogenetic location: 11q13.2.
Variant type: single nucleotide variant.
Coding change: c.2774G>A on transcript NM_002335.4 (MANE Select); coding-DNA position 2774, G replaced by A.
Protein change: p.Arg925His; replaces arginine 925 with histidine.
Molecular consequence: missense variant.
Genome position (GRCh38, 1-based): chr11:68,413,959, G>A. VCF-style: chr11-68413959-G-A. GRCh37 (hg19) VCF-style: chr11-68181427-G-A.
Other names: p.Arg925His; c.1031G>A, p.Arg344His (NM_001291902.2); c.2774G>A (NM_002335.3); short protein forms R344H, R925H.
Identifiers: ClinVar variation 1002014 (VCV001002014.10), dbSNP rs373466030, ClinGen allele CA6149733.